The following is an entry in ClinVar:

NM_000218.3(KCNQ1):c.1394-30131G>C

Genes: KCNQ1 (potassium voltage-gated channel subfamily Q member 1; plus strand), KCNQ1OT1 (KCNQ1 opposite strand/antisense transcript 1; minus strand). Cytogenetic location: 11p15.5.
Variant type: single nucleotide variant.
Coding change: c.1394-30131G>C on transcript NM_000218.3 (MANE Select); 30131 bases into the intron before coding-DNA position 1394, G replaced by C.
Molecular consequence: intron variant. On other transcripts: non-coding transcript variant (1).
Genome position (GRCh38, 1-based): chr11:2,631,830, G>C. VCF-style: chr11-2631830-G-C. GRCh37 (hg19) VCF-style: chr11-2653060-G-C.
Other names: c.1124-30131G>C (NM_001406837.1); c.1298-30131G>C (NM_001406836.1); c.854-30131G>C (NM_001406838.1); c.1013-30131G>C (NM_181798.2).
Identifiers: ClinVar variation 4873893 (VCV004873893.2).

ClinVar aggregate classification (germline): Likely benign (1 of 4 stars; one submission).

gnomAD v4.1: 87 of 398,552 alleles (0.022%); highest among the groups gnomAD compares: Middle Eastern, 0.063%; no homozygotes.

Submission:

CeGaT Center for Human Genetics Tuebingen
Classification: Likely benign. Last evaluated: 2026-06-01. Review status: criteria provided, single submitter. Criteria: CeGaT Center For Human Genetics Tuebingen Variant Classification Criteria Version 2. Collection method: clinical testing. Allele origin: germline. Affected: yes. Observed: 1 variant allele.
Comment: KCNQ1OT1: BS1